The following is an entry in ClinVar:

ClinVar aggregate classification (germline): Uncertain significance (1 of 4 stars; one submission).

Conditions:
CHD4-related disorder. Also called: CHD4-related condition.

Submission:

PreventionGenetics, part of Exact Sciences
Classification: Uncertain significance for CHD4-related condition. Last evaluated: 2023-03-27. Review status: criteria provided, single submitter. Criteria: ACMG Guidelines, 2015. Collection method: clinical testing. Allele origin: germline.
Comment: The CHD4 c.5695C>G variant is predicted to result in the amino acid substitution p.Arg1899Gly. To our knowledge, this variant has not been reported in the literature or in a large population database, indicating this variant is rare. At this time, the clinical significance of this variant is uncertain due to the absence of conclusive functional and genetic evidence.

NM_001273.5(CHD4):c.5695C>G (p.Arg1899Gly)

Genes: CHD4 (chromodomain helicase DNA binding protein 4; minus strand), CHD4-AS1 (CHD4 antisense RNA 1; plus strand). Cytogenetic location: 12p13.31.
Variant type: single nucleotide variant.
Coding change: c.5695C>G on transcript NM_001273.5 (MANE Select); coding-DNA position 5695, C replaced by G.
Protein change: p.Arg1899Gly; replaces arginine 1899 with glycine.
Molecular consequence: missense variant.
Genome position (GRCh38, 1-based): chr12:6,570,895, G>C on the plus strand (C>G on the coding strand, the complement: CHD4 is on the minus strand). VCF-style: chr12-6570895-G-C. GRCh37 (hg19) VCF-style: chr12-6680061-G-C.
Other names: c.5674C>G, p.Arg1892Gly (NM_001297553.2); c.5665C>G, p.Arg1889Gly (NM_001363606.2); short protein forms R1889G, R1892G, R1899G.
Identifiers: ClinVar variation 2633407 (VCV002633407.1), dbSNP rs747202436, ClinGen allele CA383635192.